The following is an entry in ClinVar:

NC_000012.12:g.79935553A>C

Genes: PPP1R12A-AS1 (PPP1R12A antisense RNA 1; plus strand), PPP1R12A (protein phosphatase 1 regulatory subunit 12A; minus strand), LOC112163633 (Sharpr-MPRA regulatory region 5962; plus strand). Cytogenetic location: 12q21.31.
Variant type: single nucleotide variant.
Molecular consequence: non-coding transcript variant (on NR_146533.1).
Genome position: GRCh38 VCF-style: chr12-79935553-A-C. GRCh37 (hg19) VCF-style: chr12-80329333-A-C.
Identifiers: ClinVar variation 2643190 (VCV002643190.24), dbSNP rs76824425, ClinGen allele CA240551629.

ClinVar aggregate classification (germline): Benign (1 of 4 stars; one submission).

Allele frequency attached by ClinVar (database versions not stated): 1000 Genomes Project 30x 0.00437; 1000 Genomes Project 0.00459; TOPMed 0.00575; gnomAD exomes 0.00903; gnomAD 0.01026.

Submission:

CeGaT Center for Human Genetics Tuebingen
Classification: Benign. Last evaluated: 2023-07-01. Review status: criteria provided, single submitter. Criteria: CeGaT Center For Human Genetics Tuebingen Variant Classification Criteria Version 2. Collection method: clinical testing. Allele origin: germline. Affected: yes. Observed: 3 variant alleles.
Comment: PPP1R12A: BS1, BS2